The following is an entry in ClinVar:

NM_012309.5(SHANK2):c.4131G>A (p.Ala1377=)

Gene: SHANK2 (SH3 and multiple ankyrin repeat domains 2; minus strand). Cytogenetic location: 11q13.3.
Variant type: single nucleotide variant.
Coding change: c.4131G>A on transcript NM_012309.5 (MANE Select); coding-DNA position 4131, G replaced by A.
Protein change: p.Ala1377=; no amino-acid change (alanine 1377 retained).
Molecular consequence: synonymous variant.
Genome position (GRCh38, 1-based): chr11:70,486,162, C>T on the plus strand (G>A on the coding strand, the complement: SHANK2 is on the minus strand). VCF-style: chr11-70486162-C-T. GRCh37 (hg19) VCF-style: chr11-70332267-C-T.
Other names: c.2994G>A, p.Ala998= (NM_001379226.1); c.2367G>A, p.Ala789= (NM_133266.5).
Identifiers: ClinVar variation 2642075 (VCV002642075.24), dbSNP rs151081661, ClinGen allele CA6160972.

ClinVar aggregate classification (germline): Likely benign (1 of 4 stars; one submission).

Allele frequency attached by ClinVar (database versions not stated): gnomAD 0.00019; ESP Exome Variant Server 0.00023; 1000 Genomes Project 0.00060; 1000 Genomes Project 30x 0.00062.
gnomAD v4.1: 335 of 1,613,808 alleles (0.021%); highest among the groups gnomAD compares: Non-Finnish European, 0.026%; no homozygotes.

Submission:

CeGaT Center for Human Genetics Tuebingen
Classification: Likely benign. Last evaluated: 2026-08-01. Review status: criteria provided, single submitter. Criteria: CeGaT Center For Human Genetics Tuebingen Variant Classification Criteria Version 2. Collection method: clinical testing. Allele origin: germline. Affected: yes. Observed: 3 variant alleles.
Comment: SHANK2: BP4, BP7